The following is an entry in ClinVar:

ClinVar aggregate classification (germline): Uncertain significance. Review status: criteria provided, multiple submitters, no conflicts (2 of 4 stars). 2 submissions from 2 submitters: Uncertain significance (2). Last evaluated 2024-03-06.

Conditions:
Cardiomyopathy (CMYO). Also called: Cardiomyopathies. Identifiers: Orphanet 167848, MedGen C0878544, MONDO:0004994, HP:0001638. Inheritance: Various modes of inheritance.
Familial isolated arrhythmogenic right ventricular dysplasia. Identifiers: Orphanet 217656, MedGen C4274968, MONDO:0016342.

Submissions (2):

Color Diagnostics, LLC DBA Color Health
Classification: Uncertain significance for Cardiomyopathy. Last evaluated: 2024-03-06. Review status: criteria provided, single submitter. Criteria: ACMG Guidelines, 2015. Collection method: clinical testing. Allele origin: germline.
Comment: This missense variant replaces glutamic acid with valine at codon 795 of the DSC2 protein. Computational prediction suggests that this variant may not impact protein structure and function (internally defined REVEL score threshold <= 0.5, PMID: 27666373). To our knowledge, functional studies have not been reported for this variant. This variant has not been reported in individuals affected with DSC2-related disorders in the literature. This variant has not been identified in the general population by the Genome Aggregation Database (gnomAD). The available evidence is insufficient to determine the role of this variant in disease conclusively. Therefore, this variant is classified as a Variant of Uncertain Significance.

All of Us Research Program, National Institutes of Health
Classification: Uncertain significance for Familial isolated arrhythmogenic right ventricular dysplasia. Last evaluated: 2023-02-24. Review status: criteria provided, single submitter. Criteria: ACMG Guidelines, 2015. Collection method: clinical testing. Allele origin: germline. Inheritance: Autosomal dominant inheritance. Observed: 1 variant allele, 1 heterozygote.
Comment: This missense variant replaces glutamic acid with valine at codon 795 of the DSC2 protein. Computational prediction suggests that this variant may not impact protein structure and function (internally defined REVEL score threshold <= 0.5, PMID: 27666373). Splice site prediction tools suggest that this variant may not impact RNA splicing. To our knowledge, functional studies have not been performed for this variant. This variant has not been reported in individuals affected with cardiovascular disorders in the literature. This variant has not been identified in the general population by the Genome Aggregation Database (gnomAD). The available evidence is insufficient to determine the role of this variant in disease conclusively. Therefore, this variant is classified as a Variant of Uncertain Significance.

This study involves interpretation of variants in research participants for the purpose of population health screening. Participant phenotype was not available at the time of variant classification. Additional details can be found in publication PMID: 35346344, PMCID: PMC8962531

NM_024422.6(DSC2):c.2384A>T (p.Glu795Val)

Gene: DSC2 (desmocollin 2; minus strand). Cytogenetic location: 18q12.1.
Variant type: single nucleotide variant.
Coding change: c.2384A>T on transcript NM_024422.6 (MANE Select); coding-DNA position 2384, A replaced by T.
Protein change: p.Glu795Val; replaces glutamic acid 795 with valine.
Molecular consequence: missense variant.
Genome position (GRCh38, 1-based): chr18:31,069,018, T>A on the plus strand (A>T on the coding strand, the complement: DSC2 is on the minus strand). VCF-style: chr18-31069018-T-A. GRCh37 (hg19) VCF-style: chr18-28648984-T-A.
Other names: c.2384A>T, p.Glu795Val (NM_004949.5); short protein forms E795V.
Identifiers: ClinVar variation 920174 (VCV000920174.6), dbSNP rs1303375887, ClinGen allele CA402111576.